The following is an entry in ClinVar:

ClinVar aggregate classification (germline): Uncertain significance (1 of 4 stars; one submission).

Submission:

GeneDx
Classification: Uncertain significance. Last evaluated: 2026-02-12. Review status: criteria provided, single submitter. Criteria: GeneDx Variant Classification Process June 2021. Collection method: clinical testing. Allele origin: germline.
Comment: Not observed at significant frequency in large population cohorts (gnomAD); In silico analysis suggests that this missense variant does not alter protein structure/function; Has not been previously published as pathogenic or benign to our knowledge

NM_001134232.2(TMEM106B):c.117T>A (p.Asp39Glu)

Gene: TMEM106B (transmembrane protein 106B; plus strand). Cytogenetic location: 7p21.3.
Variant type: single nucleotide variant.
Coding change: c.117T>A on transcript NM_001134232.2 (MANE Select); coding-DNA position 117, T replaced by A.
Protein change: p.Asp39Glu; replaces aspartic acid 39 with glutamic acid.
Molecular consequence: missense variant.
Genome position (GRCh38, 1-based): chr7:12,214,927, T>A. VCF-style: chr7-12214927-T-A. GRCh37 (hg19) VCF-style: chr7-12254553-T-A.
Other names: c.117T>A, p.Asp39Glu (NM_018374.4); short protein forms D39E.
Identifiers: ClinVar variation 4975896 (VCV004975896.1).
Genomic context (GRCh38, chr7:12,214,927, plus strand): 5'-TGGAGTCACATCTGAAAACATGAGGAATGGACTGGTTAATAGTGAAGTCCATAATGAAGA[T>A]GGAAGAAATGGAGATGTCTCTCAGTTTCCATATGTGGAATTTACAGGAAGAGATAGTGTC-3'
Protein context (NP_001127704.1, residues 29-49): GLVNSEVHNE[Asp39Glu]GRNGDVSQFP